The following is an entry in ClinVar:

ClinVar aggregate classification (germline): Uncertain significance. Review status: criteria provided, multiple submitters, no conflicts (2 of 4 stars). 2 submissions from 2 submitters: Uncertain significance (2). Last evaluated 2021-09-02.

Conditions:
Junctional epidermolysis bullosa with pyloric atresia. Also called: ITGB4-Related Epidermolysis Bullosa with Pyloric Atresia; ITGA6-Related Epidermolysis Bullosa with Pyloric Atresia; APLASIA CUTIS CONGENITA WITH GASTROINTESTINAL ATRESIA; CARMI SYNDROME; Junctional Epidermolysis Bullosa- Pyloric Atresia Syndrome; Epidermolysis bullosa, junctional, with pyloric atresia and aplasia cutis congenita. Identifiers: Orphanet 79403, MedGen C5676875, MONDO:0009183, OMIM 226730.
Epidermolysis bullosa simplex, Ogna type (EBS5A). Also called: Pidermolysis bullosa simplex 5A, Ogna type; EPIDERMOLYSIS BULLOSA SIMPLEX 5A, OGNA TYPE. Identifiers: Orphanet 79401, MedGen C0432317, MONDO:0007555, OMIM 131950.
Epidermolysis bullosa simplex 5C, with pyloric atresia (EBS5C). Also called: Epidermolysis bullosa simplex with pyloric atresia; PLEC-Related Epidermolysis Bullosa with Pyloric Atresia; PLEC1-Related Epidermolysis Bullosa with Pyloric Atresia. Identifiers: Orphanet 158684, MedGen C2677349, MONDO:0012807, OMIM 612138.
Epidermolysis bullosa simplex with nail dystrophy (EBS5D). Identifiers: MedGen C4225309, MONDO:0014661, OMIM 616487.
Epidermolysis bullosa simplex 5B, with muscular dystrophy (EBS5B). Also called: EPIDERMOLYSIS BULLOSA SIMPLEX AND LIMB-GIRDLE MUSCULAR DYSTROPHY; Epidermolysis bullosa simplex with muscular dystrophy. Identifiers: Orphanet 257, MedGen C2931072, MONDO:0009181, OMIM 226670.
Autosomal recessive limb-girdle muscular dystrophy type 2Q (LGMDR17). Also called: MUSCULAR DYSTROPHY, LIMB-GIRDLE, AUTOSOMAL RECESSIVE 17. Identifiers: Orphanet 254361, MedGen C3150989, MONDO:0013390, OMIM 613723.

Allele frequency attached by ClinVar (database versions not stated): gnomAD 0.00002; gnomAD exomes 0.00002; TOPMed 0.00002; ExAC 0.00004; ESP Exome Variant Server 0.00008.

Submissions (2):

Labcorp Genetics (formerly Invitae), Labcorp
Classification: Uncertain significance for Autosomal recessive limb-girdle muscular dystrophy type 2Q; Epidermolysis bullosa simplex, Ogna type; Epidermolysis bullosa simplex with nail dystrophy; Epidermolysis bullosa simplex 5C, with pyloric atresia; Epidermolysis bullosa simplex 5B, with muscular dystrophy. Last evaluated: 2021-09-02. Review status: criteria provided, single submitter. Criteria: Invitae Variant Classification Sherloc (09022015). Collection method: clinical testing. Allele origin: germline.
Comment: This sequence change replaces arginine with cysteine at codon 1008 of the PLEC protein (p.Arg1008Cys). The arginine residue is highly conserved and there is a large physicochemical difference between arginine and cysteine. This variant is present in population databases (rs374604569, ExAC 0.01%). This variant has not been reported in the literature in individuals affected with PLEC-related conditions. Algorithms developed to predict the effect of missense changes on protein structure and function are either unavailable or do not agree on the potential impact of this missense change (SIFT: "Tolerated"; PolyPhen-2: "Not Available"; Align-GVGD: "Class C25"). In summary, the available evidence is currently insufficient to determine the role of this variant in disease. Therefore, it has been classified as a Variant of Uncertain Significance.

Department of Pathology and Laboratory Medicine, Sinai Health System
Classification: Uncertain significance for Epidermolysis bullosa simplex, Ogna type; Epidermolysis bullosa simplex 5B, with muscular dystrophy; Junctional epidermolysis bullosa with pyloric atresia; Epidermolysis bullosa simplex 5C, with pyloric atresia; Autosomal recessive limb-girdle muscular dystrophy type 2Q; Epidermolysis bullosa simplex with nail dystrophy. Last evaluated: 2020-05-26. Review status: criteria provided, single submitter. Criteria: ACMG Guidelines, 2015. Collection method: research. Allele origin: germline.

NM_201384.3(PLEC):c.2941C>T (p.Arg981Cys)

Gene: PLEC (plectin; minus strand). Cytogenetic location: 8q24.3.
Variant type: single nucleotide variant.
Coding change: c.2941C>T on transcript NM_201384.3 (MANE Select); coding-DNA position 2941, C replaced by T.
Protein change: p.Arg981Cys; replaces arginine 981 with cysteine.
Molecular consequence: missense variant.
Genome position (GRCh38, 1-based): chr8:143,929,554, G>A on the plus strand (C>T on the coding strand, the complement: PLEC is on the minus strand). VCF-style: chr8-143929554-G-A. GRCh37 (hg19) VCF-style: chr8-145003722-G-A.
Other names: c.3022C>T, p.Arg1008Cys (NM_000445.5); c.2899C>T, p.Arg967Cys (NM_201378.4); c.2875C>T, p.Arg959Cys (NM_201379.3); c.3352C>T, p.Arg1118Cys (NM_201380.4); c.2845C>T, p.Arg949Cys (NM_201381.3); c.2941C>T, p.Arg981Cys (NM_201382.4); c.2953C>T, p.Arg985Cys (NM_201383.3); short protein forms R1008C, R967C, R959C, R985C, R1118C, R949C, R981C.
Identifiers: ClinVar variation 648319 (VCV000648319.4), dbSNP rs374604569, ClinGen allele CA4927282.